The following is an entry in ClinVar:

NM_003482.4(KMT2D):c.4855G>C (p.Gly1619Arg)

Gene: KMT2D (lysine methyltransferase 2D; minus strand). Cytogenetic location: 12q13.12.
Variant type: single nucleotide variant.
Coding change: c.4855G>C on transcript NM_003482.4 (MANE Select); coding-DNA position 4855, G replaced by C.
Protein change: p.Gly1619Arg; replaces glycine 1619 with arginine.
Molecular consequence: missense variant.
Genome position (GRCh38, 1-based): chr12:49,044,852, C>G on the plus strand (G>C on the coding strand, the complement: KMT2D is on the minus strand). VCF-style: chr12-49044852-C-G. GRCh37 (hg19) VCF-style: chr12-49438635-C-G.
Other names: short protein forms G1619R.
Identifiers: ClinVar variation 2987348 (VCV002987348.4), dbSNP rs1309519177, ClinGen allele CA384640507.

ClinVar aggregate classification (germline): Uncertain significance. Review status: criteria provided, single submitter (1 of 4 stars). 2 submissions from 2 submitters: Uncertain significance (1). 1 of the submissions does not count toward it. Last evaluated 2025-10-06.

Conditions:
KMT2D-related disorder. Also called: KMT2D-Related Disorders.
Kabuki syndrome. Also called: NIIKAWA-KUROKI SYNDROME; Kabuki make-up syndrome. Identifiers: Orphanet 2322, MedGen C0796004, MONDO:0016512.

Allele frequency attached by ClinVar (database versions not stated): TOPMed below 0.00001.
gnomAD v4.1: 8 of 1,614,070 alleles (0.0005%); highest among the groups gnomAD compares: Non-Finnish European, 0.00068%; no homozygotes.

Submissions (2):

Labcorp Genetics (formerly Invitae), Labcorp
Classification: Uncertain significance for Kabuki syndrome. Last evaluated: 2025-10-06. Review status: criteria provided, single submitter. Criteria: Invitae Variant Classification Sherloc (09022015). Collection method: clinical testing. Allele origin: germline.
Comment: This sequence change replaces glycine, which is neutral and non-polar, with arginine, which is basic and polar, at codon 1619 of the KMT2D protein (p.Gly1619Arg). This variant is not present in population databases (gnomAD no frequency). This variant has not been reported in the literature in individuals affected with KMT2D-related conditions. ClinVar contains an entry for this variant (Variation ID: 2987348). Invitae Evidence Modeling of protein sequence and biophysical properties (such as structural, functional, and spatial information, amino acid conservation, physicochemical variation, residue mobility, and thermodynamic stability) indicates that this missense variant is not expected to disrupt KMT2D protein function with a negative predictive value of 95%. In summary, the available evidence is currently insufficient to determine the role of this variant in disease. Therefore, it has been classified as a Variant of Uncertain Significance.

PreventionGenetics, part of Exact Sciences
Classification: Uncertain significance for KMT2D-related condition. Last evaluated: 2024-07-11. Review status: no assertion criteria provided. Collection method: clinical testing. Allele origin: germline. Not counted in ClinVar's aggregate classification.
Comment: The KMT2D c.4855G>C variant is predicted to result in the amino acid substitution p.Gly1619Arg. To our knowledge, this variant has not been reported in the literature or in a large population database, indicating this variant is rare. At this time, the clinical significance of this variant is uncertain due to the absence of conclusive functional and genetic evidence.